The following is an entry in ClinVar:

NM_173483.4(CYP4F22):c.532A>T (p.Ser178Cys)

Gene: CYP4F22 (cytochrome P450 family 4 subfamily F member 22; plus strand). Cytogenetic location: 19p13.12.
Variant type: single nucleotide variant.
Coding change: c.532A>T on transcript NM_173483.4 (MANE Select); coding-DNA position 532, A replaced by T.
Protein change: p.Ser178Cys; replaces serine 178 with cysteine.
Molecular consequence: missense variant.
Genome position (GRCh38, 1-based): chr19:15,537,645, A>T. VCF-style: chr19-15537645-A-T. GRCh37 (hg19) VCF-style: chr19-15648456-A-T.
Other names: short protein forms S178C.
Identifiers: ClinVar variation 328431 (VCV000328431.13), dbSNP rs16980531, ClinGen allele CA9269609.

ClinVar aggregate classification (germline): Benign. Review status: criteria provided, multiple submitters, no conflicts (2 of 4 stars). 3 submissions from 3 submitters: Benign (3). Last evaluated 2026-02-02.

Conditions:
Autosomal recessive congenital ichthyosis 5 (ARCI5). Also called: ICHTHYOSIS CONGENITA III; Ichthyosis, nonlamellar and nonerythrodermic, congenital, autosomal recessive. Identifiers: Orphanet 313, MedGen C1858133, MONDO:0011485, OMIM 604777.

Allele frequency attached by ClinVar (database versions not stated): gnomAD exomes 0.00994; ExAC 0.01197; gnomAD 0.03714; 1000 Genomes Project 0.04373; ESP Exome Variant Server 0.04406; 1000 Genomes Project 30x 0.04716.
gnomAD v4.1: 11,311 of 1,613,354 alleles (0.7%); highest among the groups gnomAD compares: African/African-American, 13%; 629 homozygotes.

Submissions (3):

Labcorp Genetics (formerly Invitae), Labcorp
Classification: Benign. Last evaluated: 2026-02-02. Review status: criteria provided, single submitter. Criteria: Invitae Variant Classification Sherloc (09022015). Collection method: clinical testing. Allele origin: germline.

Illumina Laboratory Services, Illumina
Classification: Benign for Autosomal recessive congenital ichthyosis 5. Last evaluated: 2018-01-12. Review status: criteria provided, single submitter. Criteria: ICSL Variant Classification Criteria 13 December 2019. Collection method: clinical testing. Allele origin: germline.
Comment: This variant was observed in the ICSL laboratory as part of a predisposition screen in an ostensibly healthy population. It had not been previously curated by ICSL or reported in the Human Gene Mutation Database (HGMD: prior to June 1st, 2018), and was therefore a candidate for classification through an automated scoring system. Utilizing variant allele frequency, disease prevalence and penetrance estimates, and inheritance mode, an automated score was calculated to assess if this variant is too frequent to cause the disease. Based on the score and internal cut-off values, a variant classified as benign is not then subjected to further curation. The score for this variant resulted in a classification of benign for this disease.

Breakthrough Genomics
Classification: Benign. Review status: criteria provided, single submitter. Criteria: ACMG Guidelines, 2015. Collection method: not provided. Allele origin: germline. Inheritance: Autosomal recessive inheritance. Affected: yes.